The following is an entry in ClinVar:

ClinVar aggregate classification (germline): Pathogenic (1 of 4 stars; one submission).

Conditions:
Smith-Magenis syndrome (SMS). Also called: CHROMOSOME 17p11.2 DELETION SYNDROME. Identifiers: Orphanet 819, MedGen C0795864, MONDO:0008434, OMIM 182290.

Submission:

Clinical Genomics Laboratory, Washington University in St. Louis
Classification: Pathogenic for Smith-Magenis syndrome. Last evaluated: 2025-11-04. Review status: criteria provided, single submitter. Criteria: ACMG Guidelines, 2015. Collection method: clinical testing. Allele origin: germline. Affected: yes.
Comment: The RAI1 c.946C>T (p.Gln316*) variant, to our knowledge, has not been reported in the medical literature. This variant is absent from the general population (gnomAD v4.1.0), indicating it is not a common variant. This variant leads to a premature termination codon which is predicted to lead to nonsense mediated decay. Based on available information and the ACMG/AMP guidelines for variant interpretation (Richards S et al., PMID: 25741868), this variant is classified as pathogenic.

NM_030665.4(RAI1):c.946C>T (p.Gln316Ter)

Gene: RAI1 (retinoic acid induced 1; plus strand). Cytogenetic location: 17p11.2.
Variant type: single nucleotide variant.
Coding change: c.946C>T on transcript NM_030665.4 (MANE Select); coding-DNA position 946, C replaced by T.
Protein change: p.Gln316Ter; replaces glutamine 316 with a stop codon.
Molecular consequence: nonsense.
Genome position (GRCh38, 1-based): chr17:17,793,894, C>T. VCF-style: chr17-17793894-C-T. GRCh37 (hg19) VCF-style: chr17-17697208-C-T.
Other names: short protein forms Q316*.
Identifiers: ClinVar variation 4879529 (VCV004879529.1).